The following is an entry in ClinVar:

NM_004453.4(ETFDH):c.1469-1G>A

Gene: ETFDH (electron transfer flavoprotein dehydrogenase; plus strand). Cytogenetic location: 4q32.1.
Variant type: single nucleotide variant.
Coding change: c.1469-1G>A on transcript NM_004453.4 (MANE Select); the canonical splice acceptor site of the intron before coding-DNA position 1469, G replaced by A.
Molecular consequence: splice acceptor variant.
Genome position (GRCh38, 1-based): chr4:158,706,628, G>A. VCF-style: chr4-158706628-G-A. GRCh37 (hg19) VCF-style: chr4-159627780-G-A.
Other names: c.1328-1G>A (NM_001281737.2); c.1286-1G>A (NM_001281738.1).
Identifiers: ClinVar variation 3731551 (VCV003731551.2).

ClinVar aggregate classification (germline): Likely pathogenic (1 of 4 stars; one submission).

Conditions:
Multiple acyl-CoA dehydrogenase deficiency (MADD). Also called: Glutaric aciduria, type 2; Glutaric acidemia type II; GA 2; ETHYLMALONIC-ADIPICACIDURIA; GA II; Glutaric Acidemia type 2. Identifiers: Orphanet 26791, MedGen C0268596, MONDO:0009282, OMIM 231680.

gnomAD v4.1: 1 of 1,611,342 alleles (0.000062%); highest among the groups gnomAD compares: South Asian, 0.0011%; no homozygotes.

Submission:

Department of Endocrinology and Genetics, Fuzhou Children’s Hospital of Fujian Medical University
Classification: Likely pathogenic for Multiple acyl-CoA dehydrogenase deficiency. Review status: criteria provided, single submitter. Criteria: ACMG Guidelines, 2015. Collection method: research. Allele origin: maternal. Inheritance: Autosomal recessive inheritance. Affected: yes.
Comment: The ETFDH c.1469-1G>A mutation is classified as a classic ±1 or 2 splice site mutation (PVS1). In the context of recessive genetic disorders, a pathogenic variant has been detected in trans (PM3). As a result, this mutation is considered likely pathogenic (LP).

Literature cited by the submitters: PubMed 32804429.